The following is an entry in ClinVar:

NM_022773.4(LMF1):c.874G>C (p.Gly292Arg)

Gene: LMF1 (lipase maturation factor 1; minus strand). Cytogenetic location: 16p13.3.
Variant type: single nucleotide variant.
Coding change: c.874G>C on transcript NM_022773.4 (MANE Select); coding-DNA position 874, G replaced by C.
Protein change: p.Gly292Arg; replaces glycine 292 with arginine.
Molecular consequence: missense variant. On other transcripts: non-coding transcript variant (1).
Genome position (GRCh38, 1-based): chr16:879,593, C>G on the plus strand (G>C on the coding strand, the complement: LMF1 is on the minus strand). VCF-style: chr16-879593-C-G. GRCh37 (hg19) VCF-style: chr16-929593-C-G.
Other names: c.223G>C, p.Gly75Arg (NM_001352017.2, NM_001352021.2); c.475G>C, p.Gly159Arg (NM_001352018.2); c.547G>C, p.Gly183Arg (NM_001352019.2); c.874G>C, p.Gly292Arg (NM_001352020.1); short protein forms G159R, G183R, G75R, G292R.
Identifiers: ClinVar variation 3290918 (VCV003290918.1).

ClinVar aggregate classification (germline): Uncertain significance (1 of 4 stars; one submission).

Conditions:
Cardiovascular phenotype. Identifiers: MedGen CN230736.

gnomAD v4.1: 3 of 1,612,928 alleles (0.00019%); highest among the groups gnomAD compares: South Asian, 0.0011%; no homozygotes.

Submission:

Ambry Genetics
Classification: Uncertain significance for Cardiovascular phenotype. Last evaluated: 2024-03-27. Review status: criteria provided, single submitter. Criteria: Ambry Variant Classification Scheme 2023. Collection method: clinical testing. Allele origin: germline.
Comment: The p.G292R variant (also known as c.874G>C), located in coding exon 6 of the LMF1 gene, results from a G to C substitution at nucleotide position 874. The glycine at codon 292 is replaced by arginine, an amino acid with dissimilar properties. This amino acid position is conserved. In addition, this alteration is predicted to be deleterious by in silico analysis. Based on the available evidence, the clinical significance of this alteration remains unclear.